The following is an entry in ClinVar:

ClinVar aggregate classification (germline): Conflicting classifications of pathogenicity. Review status: criteria provided, conflicting classifications (1 of 4 stars). 3 submissions from 3 submitters: Uncertain significance (1); Likely benign (2). Last evaluated 2025-08-26.

Conditions:
Duchenne muscular dystrophy (DMD). Also called: Duchenne Muscular Dystrophy (DMD); MUSCULAR DYSTROPHY, PSEUDOHYPERTROPHIC PROGRESSIVE, DUCHENNE TYPE. Identifiers: Orphanet 98896, MedGen C0013264, MONDO:0010679, OMIM 310200.

Allele frequency attached by ClinVar (database versions not stated): gnomAD exomes below 0.00001.
gnomAD v4.1: 2 of 1,210,392 alleles (0.00017%); highest among the groups gnomAD compares: Non-Finnish European, 0.00022%; no homozygotes.

Submissions (3):

Labcorp Genetics (formerly Invitae), Labcorp
Classification: Likely benign for Duchenne muscular dystrophy. Last evaluated: 2025-08-26. Review status: criteria provided, single submitter. Criteria: Invitae Variant Classification Sherloc (09022015). Collection method: clinical testing. Allele origin: germline.

CeGaT Center for Human Genetics Tuebingen
Classification: Uncertain significance. Last evaluated: 2024-03-01. Review status: criteria provided, single submitter. Criteria: CeGaT Center For Human Genetics Tuebingen Variant Classification Criteria Version 2. Collection method: clinical testing. Allele origin: germline. Affected: yes. Observed: 1 variant allele.
Comment: DMD: PM2, BP4

Blueprint Genetics
Classification: Likely benign. Last evaluated: 2023-08-07. Review status: criteria provided, single submitter. Criteria: ACMG Guidelines, 2015. Collection method: clinical testing. Allele origin: germline.

NM_004006.3(DMD):c.10921+7G>T

Gene: DMD (dystrophin; minus strand). Cytogenetic location: Xp21.2.
Variant type: single nucleotide variant.
Coding change: c.10921+7G>T on transcript NM_004006.3 (MANE Select); 7 bases into the intron after coding-DNA position 10921, G replaced by T.
Molecular consequence: intron variant.
Genome position (GRCh38, 1-based): chrX:31,146,284, C>A on the plus strand (G>T on the coding strand, the complement: DMD is on the minus strand). VCF-style: chrX-31146284-C-A. GRCh37 (hg19) VCF-style: chrX-31164401-C-A.
Other names: c.10897+7G>T (NM_000109.4); c.6898+7G>T (NM_004011.4); c.6889+7G>T (NM_004012.4); c.3211+7G>T (NM_004023.3, NM_004020.4); c.3502+7G>T (NM_004022.3); c.3541+7G>T (NM_004021.3, NM_004013.3); c.2734+7G>T (NM_004014.3); c.1678+7G>T (NM_004018.3, NM_004017.3); and 3 more.
Identifiers: ClinVar variation 415862 (VCV000415862.44), dbSNP rs1060504677, ClinGen allele CA16616661.
Genomic context (GRCh38, chrX:31,146,284, plus strand): 5'-CATGTCCCTGTAATACGACTCTACCTTTCTTCAGACAACAAAATCTGAGAGTAGCTAGGA[C>A]ACTTACCCATGGAGTCCGAAGTTTGACTGCCAACCACTCGGAGCAGCATAGGCTGACTGC-3'